The following is an entry in ClinVar:

ClinVar aggregate classification (germline): Conflicting classifications of pathogenicity. Review status: criteria provided, conflicting classifications (1 of 4 stars). 3 submissions from 3 submitters: Likely pathogenic (1); Uncertain significance (2). Last evaluated 2024-03-05.

Conditions:
TNNI3-related disorder. Also called: TNNI3-related condition; TNNI3-related disorders.
Hypertrophic cardiomyopathy. Also called: HYPERTROPHIC MYOCARDIOPATHY. Identifiers: Orphanet 217569, MedGen C0007194, MeSH D002312, MONDO:0005045, HP:0001639.

Submissions (3):

All of Us Research Program, National Institutes of Health
Classification: Uncertain significance for Hypertrophic cardiomyopathy. Last evaluated: 2024-03-05. Review status: criteria provided, single submitter. Criteria: ACMG Guidelines, 2015. Collection method: clinical testing. Allele origin: germline. Inheritance: Autosomal dominant inheritance. Observed: 1 variant allele, 1 heterozygote.
Comment: This study involves interpretation of variants in research participants for the purpose of population health screening. Participant phenotype was not available at the time of variant classification. Additional details can be found in publication PMID: 35346344, PMCID: PMC8962531

Labcorp Genetics (formerly Invitae), Labcorp
Classification: Uncertain significance for Hypertrophic cardiomyopathy. Last evaluated: 2024-02-05. Review status: criteria provided, single submitter. Criteria: Invitae Variant Classification Sherloc (09022015). Collection method: clinical testing. Allele origin: germline.
Comment: This sequence change replaces isoleucine, which is neutral and non-polar, with methionine, which is neutral and non-polar, at codon 195 of the TNNI3 protein (p.Ile195Met). This variant is not present in population databases (gnomAD no frequency). This missense change has been observed in individual(s) with clinical features of hypertrophic cardiomyopathy (PMID: 15524171; Invitae). ClinVar contains an entry for this variant (Variation ID: 862754). An algorithm developed to predict the effect of missense changes on protein structure and function (PolyPhen-2) suggests that this variant is likely to be disruptive. In summary, the available evidence is currently insufficient to determine the role of this variant in disease. Therefore, it has been classified as a Variant of Uncertain Significance.

Blueprint Genetics
Classification: Likely pathogenic for TNNI3-related disorders. Last evaluated: 2021-09-22. Review status: criteria provided, single submitter. Criteria: ACMG Guidelines, 2015. Collection method: clinical testing. Allele origin: germline. Affected: yes. Observed: 1 variant allele.

Literature cited by the submitters: PubMed 15524171 (cited by Labcorp Genetics (formerly Invitae), Labcorp).

NM_000363.5(TNNI3):c.585C>G (p.Ile195Met)

Gene: TNNI3 (troponin I3, cardiac type; minus strand). Cytogenetic location: 19q13.42.
Variant type: single nucleotide variant.
Coding change: c.585C>G on transcript NM_000363.5 (MANE Select); coding-DNA position 585, C replaced by G.
Protein change: p.Ile195Met; replaces isoleucine 195 with methionine.
Molecular consequence: missense variant.
Genome position (GRCh38, 1-based): chr19:55,151,882, G>C on the plus strand (C>G on the coding strand, the complement: TNNI3 is on the minus strand). VCF-style: chr19-55151882-G-C. GRCh37 (hg19) VCF-style: chr19-55663250-G-C.
Other names: short protein forms I195M.
Identifiers: ClinVar variation 862754 (VCV000862754.11), dbSNP rs200085986, ClinGen allele CA407439563.
Genomic context (GRCh38, chr19:55,151,882, plus strand): 5'-AGGCAGGAAGGCTCAGCTCTCAAACTTTTTCTTGCGGCCCTCCATTCCACTCAGTGCATC[G>C]ATGTTCTTGCGCCAGTCTCCCACCTCCCGGTTTTCCTGGAGGATGGCGATGAGTCAGAGG-3'
Protein context (NP_000354.4, residues 185-205): NREVGDWRKN[Ile195Met]DALSGMEGRK